The following is an entry in ClinVar:

NM_199420.4(POLQ):c.1696G>A (p.Gly566Arg)

Gene: POLQ (DNA polymerase theta; minus strand). Cytogenetic location: 3q13.33.
Variant type: single nucleotide variant.
Coding change: c.1696G>A on transcript NM_199420.4 (MANE Select); coding-DNA position 1696, G replaced by A.
Protein change: p.Gly566Arg; replaces glycine 566 with arginine.
Molecular consequence: missense variant.
Genome position (GRCh38, 1-based): chr3:121,510,159, C>T on the plus strand (G>A on the coding strand, the complement: POLQ is on the minus strand). VCF-style: chr3-121510159-C-T. GRCh37 (hg19) VCF-style: chr3-121229006-C-T.
Other names: short protein forms G566R.
Identifiers: ClinVar variation 1778235 (VCV001778235.2), dbSNP rs2048242643, ClinGen allele CA354114973.
Genomic context (GRCh38, chr3:121,510,159, plus strand): 5'-CACAGGCCTCAATCGCTCCAAGCTGAACAGACTCTTGATTTCTCTGAATTCCTTGCTTCC[C>T]TTCTTTCATACTTGCAGCCAAAAATGTGCAGGCAGCATAAGTATGCATATCTTGTGATGT-3'
Protein context (NP_955452.3, residues 556-576): CTFLAASMKE[Gly566Arg]KQGIQRNQES

ClinVar aggregate classification (germline): Uncertain significance (1 of 4 stars; one submission).

Allele frequency attached by ClinVar (database versions not stated): gnomAD exomes below 0.00001; gnomAD 0.00001.

Submission:

Ambry Genetics
Classification: Uncertain significance. Last evaluated: 2023-12-31. Review status: criteria provided, single submitter. Criteria: Ambry Variant Classification Scheme 2023. Collection method: clinical testing. Allele origin: germline.
Comment: The p.G566R variant (also known as c.1696G>A), located in coding exon 11 of the POLQ gene, results from a G to A substitution at nucleotide position 1696. The glycine at codon 566 is replaced by arginine, an amino acid with dissimilar properties. This amino acid position is conserved. In addition, this alteration is predicted to be tolerated by in silico analysis. Since supporting evidence is limited at this time, the clinical significance of this alteration remains unclear.